The following is an entry in ClinVar:

ClinVar aggregate classification (germline): Uncertain significance (1 of 4 stars; one submission).

Conditions:
Cardiovascular phenotype. Identifiers: MedGen CN230736.

gnomAD v4.1: 1 of 1,613,906 alleles (0.000062%); highest among the groups gnomAD compares: African/African-American, 0.0013%; no homozygotes.

Submission:

Ambry Genetics
Classification: Uncertain significance for Cardiovascular phenotype. Last evaluated: 2026-02-24. Review status: criteria provided, single submitter. Criteria: Ambry Variant Classification Scheme 2023. Collection method: clinical testing. Allele origin: germline.
Comment: The p.D2905N variant (also known as c.8713G>A), located in coding exon 26 of the APOB gene, results from a G to A substitution at nucleotide position 8713. The aspartic acid at codon 2905 is replaced by asparagine, an amino acid with highly similar properties. This amino acid position is conserved. In addition, this alteration is predicted to be tolerated by in silico analysis. Based on the available evidence, the clinical significance of this variant remains unclear.

NM_000384.3(APOB):c.8713G>A (p.Asp2905Asn)

Gene: APOB (apolipoprotein B; minus strand). Cytogenetic location: 2p24.1.
Variant type: single nucleotide variant.
Coding change: c.8713G>A on transcript NM_000384.3 (MANE Select); coding-DNA position 8713, G replaced by A.
Protein change: p.Asp2905Asn; replaces aspartic acid 2905 with asparagine.
Molecular consequence: missense variant.
Genome position (GRCh38, 1-based): chr2:21,008,155, C>T on the plus strand (G>A on the coding strand, the complement: APOB is on the minus strand). VCF-style: chr2-21008155-C-T. GRCh37 (hg19) VCF-style: chr2-21231027-C-T.
Other names: short protein forms D2905N.
Identifiers: ClinVar variation 4826819 (VCV004826819.1).